The following is an entry in ClinVar:

NM_001365999.1(SZT2):c.4480+4T>C

Gene: SZT2 (SZT2 subunit of KICSTOR complex; plus strand). Cytogenetic location: 1p34.2.
Variant type: single nucleotide variant.
Coding change: c.4480+4T>C on transcript NM_001365999.1 (MANE Select); 4 bases into the intron after coding-DNA position 4480, T replaced by C.
Molecular consequence: intron variant.
Genome position (GRCh38, 1-based): chr1:43,430,393, T>C. VCF-style: chr1-43430393-T-C. GRCh37 (hg19) VCF-style: chr1-43896064-T-C.
Other names: c.4309+4T>C (NM_015284.4).
Identifiers: ClinVar variation 588517 (VCV000588517.19), dbSNP rs377184977, ClinGen allele CA809299.
Genomic context (GRCh38, chr1:43,430,393, plus strand): 5'-TAGACAGAAAAATCAGTGACCTGGAGTTTTCAGAGGCTGAGCTTATGGGAGAAGAAGGTA[T>C]GTGGGCAAGTGAGTCAAGGTGGGGAAGGCTGGCTGCTTCACGCCGAGATTCAAGGGTTCC-3'

ClinVar aggregate classification (germline): Conflicting classifications of pathogenicity. Review status: criteria provided, conflicting classifications (1 of 4 stars). 4 submissions from 4 submitters: Uncertain significance (2); Likely benign (2). Last evaluated 2025-04-25.

Conditions:
Inborn genetic diseases. Identifiers: MedGen C0950123, MeSH D030342.

Allele frequency attached by ClinVar (database versions not stated): ESP Exome Variant Server 0.00008; gnomAD 0.00012 and 0.00014; TOPMed 0.00014; ExAC 0.00018; gnomAD exomes 0.00019 and 0.00021.
gnomAD v4.1: 317 of 1,605,728 alleles (0.02%); highest among the groups gnomAD compares: Admixed American, 0.029%; no homozygotes.

Submissions (4):

Ambry Genetics
Classification: Uncertain significance for Inborn genetic diseases. Last evaluated: 2025-04-25. Review status: criteria provided, single submitter. Criteria: Ambry Variant Classification Scheme 2023. Collection method: clinical testing. Allele origin: germline.
Comment: The c.4309+4T>C intronic alteration consists of a T to C substitution nucleotides after coding exon 30 in the SZT2 gene. Based on insufficient or conflicting evidence, the clinical significance of this alteration remains unclear.

Labcorp Genetics (formerly Invitae), Labcorp
Classification: Uncertain significance. Last evaluated: 2024-10-22. Review status: criteria provided, single submitter. Criteria: Invitae Variant Classification Sherloc (09022015). Collection method: clinical testing. Allele origin: germline.
Comment: This sequence change falls in intron 30 of the SZT2 gene. It does not directly change the encoded amino acid sequence of the SZT2 protein. It affects a nucleotide within the consensus splice site. This variant is present in population databases (rs377184977, gnomAD 0.04%). This variant has not been reported in the literature in individuals affected with SZT2-related conditions. ClinVar contains an entry for this variant (Variation ID: 588517). Variants that disrupt the consensus splice site are a relatively common cause of aberrant splicing (PMID: 17576681, 9536098). Algorithms developed to predict the effect of sequence changes on RNA splicing suggest that this variant is not likely to affect RNA splicing. In summary, the available evidence is currently insufficient to determine the role of this variant in disease. Therefore, it has been classified as a Variant of Uncertain Significance.

Blueprint Genetics
Classification: Likely benign. Last evaluated: 2024-08-26. Review status: criteria provided, single submitter. Criteria: ACMG Guidelines, 2015. Collection method: clinical testing. Allele origin: germline.

GeneDx
Classification: Likely benign. Last evaluated: 2021-10-12. Review status: criteria provided, single submitter. Criteria: GeneDx Variant Classification Process June 2021. Collection method: clinical testing. Allele origin: germline. Affected: yes.

Literature cited by the submitters: PubMed 17576681 (cited by Labcorp Genetics (formerly Invitae), Labcorp); PubMed 9536098 (cited by Labcorp Genetics (formerly Invitae), Labcorp).